The following is an entry in ClinVar:

NM_006767.4(LZTR1):c.2407-2A>C

Gene: LZTR1 (leucine zipper like post translational regulator 1; plus strand). Cytogenetic location: 22q11.21.
Variant type: single nucleotide variant.
Coding change: c.2407-2A>C on transcript NM_006767.4 (MANE Select); the canonical splice acceptor site of the intron before coding-DNA position 2407, A replaced by C.
Molecular consequence: splice acceptor variant.
Genome position (GRCh38, 1-based): chr22:20,997,230, A>C. VCF-style: chr22-20997230-A-C. GRCh37 (hg19) VCF-style: chr22-21351519-A-C.
Identifiers: ClinVar variation 809336 (VCV000809336.43), dbSNP rs1158550690, ClinGen allele CA410781424.

ClinVar aggregate classification (germline): Pathogenic/Likely pathogenic. Review status: criteria provided, multiple submitters, no conflicts (2 of 4 stars). 2 submissions from 2 submitters: Pathogenic (1); Likely pathogenic (1). Last evaluated 2025-03-19.

Submissions (2):

Labcorp Genetics (formerly Invitae), Labcorp
Classification: Pathogenic. Last evaluated: 2025-03-19. Review status: criteria provided, single submitter. Criteria: Invitae Variant Classification Sherloc (09022015). Collection method: clinical testing. Allele origin: germline.
Comment: This sequence change affects an acceptor splice site in intron 20 of the LZTR1 gene. While this variant is not anticipated to result in nonsense mediated decay, it likely alters RNA splicing and results in a disrupted protein product. This variant is not present in population databases (gnomAD no frequency). Disruption of this splice site has been observed in individual(s) with clinical features of Noonan syndrome (PMID: 29469822, 35979676). In at least one individual the data is consistent with being in trans (on the opposite chromosome) from a pathogenic variant. It has also been observed to segregate with disease in related individuals. ClinVar contains an entry for this variant (Variation ID: 809336). Variants that disrupt the consensus splice site are a relatively common cause of aberrant splicing (PMID: 17576681, 9536098). Algorithms developed to predict the effect of sequence changes on RNA splicing suggest that this variant may disrupt the consensus splice site. For these reasons, this variant has been classified as Pathogenic.

CeGaT Center for Human Genetics Tuebingen
Classification: Likely pathogenic. Last evaluated: 2019-02-01. Review status: criteria provided, single submitter. Criteria: CeGaT Center For Human Genetics Tuebingen Variant Classification Criteria Version 2. Collection method: clinical testing. Allele origin: germline. Affected: yes. Observed: 1 variant allele.

Literature cited by the submitters: PubMed 29469822 (cited by Labcorp Genetics (formerly Invitae), Labcorp); PubMed 35979676 (cited by Labcorp Genetics (formerly Invitae), Labcorp); PubMed 17576681 (cited by Labcorp Genetics (formerly Invitae), Labcorp); PubMed 9536098 (cited by Labcorp Genetics (formerly Invitae), Labcorp).